The following is an entry in ClinVar:

ClinVar aggregate classification (germline): Benign. Review status: criteria provided, single submitter (1 of 4 stars). 2 submissions from 2 submitters: Benign (1). 1 of the submissions does not count toward it. Last evaluated 2025-12-25.

Conditions:
SCARB1-related disorder. Also called: SCARB1-related condition.

Allele frequency attached by ClinVar (database versions not stated): gnomAD exomes 0.00015; ExAC 0.00045; 1000 Genomes Project 0.00140; 1000 Genomes Project 30x 0.00156; gnomAD 0.00156; TOPMed 0.00165; ESP Exome Variant Server 0.00208.
gnomAD v4.1: 504 of 1,614,162 alleles (0.031%); highest among the groups gnomAD compares: African/African-American, 0.54%; 3 homozygotes.

Submissions (2):

Labcorp Genetics (formerly Invitae), Labcorp
Classification: Benign. Last evaluated: 2025-12-25. Review status: criteria provided, single submitter. Criteria: Invitae Variant Classification Sherloc (09022015). Collection method: clinical testing. Allele origin: germline.

PreventionGenetics, part of Exact Sciences
Classification: Likely benign for SCARB1-related condition. Last evaluated: 2019-10-28. Review status: no assertion criteria provided. Collection method: clinical testing. Allele origin: germline. Not counted in ClinVar's aggregate classification.
Comment: This variant is classified as likely benign based on ACMG/AMP sequence variant interpretation guidelines (Richards et al. 2015 PMID: 25741868, with internal and published modifications).

NM_005505.5(SCARB1):c.933G>A (p.Gly311=)

Gene: SCARB1 (scavenger receptor class B member 1; minus strand). Cytogenetic location: 12q24.31.
Variant type: single nucleotide variant.
Coding change: c.933G>A on transcript NM_005505.5 (MANE Select); coding-DNA position 933, G replaced by A.
Protein change: p.Gly311=; no amino-acid change (glycine 311 retained).
Molecular consequence: synonymous variant. On other transcripts: non-coding transcript variant (9), intron variant (1).
Genome position (GRCh38, 1-based): chr12:124,807,837, C>T on the plus strand (G>A on the coding strand, the complement: SCARB1 is on the minus strand). VCF-style: chr12-124807837-C-T. GRCh37 (hg19) VCF-style: chr12-125292383-C-T.
Other names: c.933G>A, p.Gly311= (NM_001082959.2, NM_001367981.1, NM_001367983.1 and 4 more transcripts); c.810G>A, p.Gly270= (NM_001367982.1); c.909G>A, p.Gly303= (NM_001367985.1); c.726+4033G>A (NM_001367988.1); c.933G>A (NM_005505.4).
Identifiers: ClinVar variation 2075612 (VCV002075612.6), dbSNP rs140581411, ClinGen allele CA6870382.